The following is an entry in ClinVar:

NM_020166.5(MCCC1):c.2034C>T (p.Ile678=)

Gene: MCCC1 (methylcrotonyl-CoA carboxylase subunit 1; minus strand). Cytogenetic location: 3q27.1.
Variant type: single nucleotide variant.
Coding change: c.2034C>T on transcript NM_020166.5 (MANE Select); coding-DNA position 2034, C replaced by T.
Protein change: p.Ile678=; no amino-acid change (isoleucine 678 retained).
Molecular consequence: synonymous variant. On other transcripts: non-coding transcript variant (2).
Genome position (GRCh38, 1-based): chr3:183,017,281, G>A on the plus strand (C>T on the coding strand, the complement: MCCC1 is on the minus strand). VCF-style: chr3-183017281-G-A. GRCh37 (hg19) VCF-style: chr3-182735069-G-A.
Other names: c.1683C>T, p.Ile561= (NM_001293273.2); c.1707C>T, p.Ile569= (NM_001363880.1).
Identifiers: ClinVar variation 703370 (VCV000703370.17), dbSNP rs150305281, ClinGen allele CA2718578.

ClinVar aggregate classification (germline): Likely benign. Review status: criteria provided, multiple submitters, no conflicts (2 of 4 stars). 4 submissions from 4 submitters: Likely benign (2). 2 of the submissions do not count toward it. Last evaluated 2025-12-18.

Conditions:
MCCC1-related disorder. Also called: MCCC1-related condition.
3-methylcrotonyl-CoA carboxylase 1 deficiency (MCC1D). Also called: MCCD TYPE 1; METHYLCROTONYLGLYCINURIA TYPE I; MCC 1 deficiency; 3 Alpha methylcrotonylglycinuria 1. Identifiers: Orphanet 6, MedGen CN028786, MONDO:0008861, OMIM 210200.
Methylcrotonyl-CoA carboxylase deficiency. Also called: 3 Methylcrotonylglycinuria; Deficiency of methylcrotonoyl-CoA carboxylase; 3-MCC Deficiency. Identifiers: Orphanet 6, MedGen C4551505, MONDO:0018950.

Allele frequency attached by ClinVar (database versions not stated): gnomAD exomes 0.00009; ExAC 0.00012; gnomAD 0.00032 and 0.00037; ESP Exome Variant Server 0.00038; TOPMed 0.00045.
gnomAD v4.1: 103 of 1,613,580 alleles (0.0064%); highest among the groups gnomAD compares: African/African-American, 0.11%; no homozygotes.

Submissions (4):

Labcorp Genetics (formerly Invitae), Labcorp
Classification: Likely benign for 3-methylcrotonyl-CoA carboxylase 1 deficiency. Last evaluated: 2025-12-18. Review status: criteria provided, single submitter. Criteria: Invitae Variant Classification Sherloc (09022015). Collection method: clinical testing. Allele origin: germline.

Breakthrough Genomics
Classification: Likely benign. Review status: criteria provided, single submitter. Criteria: ACMG Guidelines, 2015. Collection method: not provided. Allele origin: germline. Inheritance: Autosomal recessive inheritance. Affected: yes.

PreventionGenetics, part of Exact Sciences
Classification: Likely benign for MCCC1-related condition. Last evaluated: 2021-12-12. Review status: no assertion criteria provided. Collection method: clinical testing. Allele origin: germline. Not counted in ClinVar's aggregate classification.
Comment: This variant is classified as likely benign based on ACMG/AMP sequence variant interpretation guidelines (Richards et al. 2015 PMID: 25741868, with internal and published modifications).

Natera, Inc.
Classification: Likely benign for 3-methylcrotonylglycinuria. Last evaluated: 2020-04-23. Review status: no assertion criteria provided. Collection method: clinical testing. Allele origin: germline. Not counted in ClinVar's aggregate classification.